The following is an entry in ClinVar:

ClinVar aggregate classification (germline): Uncertain significance (1 of 4 stars; one submission).

Conditions:
Familial cold autoinflammatory syndrome 3 (FCAS3). Also called: FAMILIAL ATYPICAL COLD URTICARIA; ANTIBODY DEFICIENCY AND IMMUNE DYSREGULATION, PLCG2-ASSOCIATED. Identifiers: Orphanet 300359, MedGen C3280914, MONDO:0013766, OMIM 614468.

Allele frequency attached by ClinVar (database versions not stated): gnomAD exomes below 0.00001 and 0.00002; ExAC 0.00001; gnomAD 0.00001; TOPMed 0.00001.
gnomAD v4.1: 7 of 1,613,964 alleles (0.00043%); highest among the groups gnomAD compares: Non-Finnish European, 0.00051%; 1 homozygote.

Submission:

Labcorp Genetics (formerly Invitae), Labcorp
Classification: Uncertain significance for Familial cold autoinflammatory syndrome 3. Last evaluated: 2022-07-11. Review status: criteria provided, single submitter. Criteria: Invitae Variant Classification Sherloc (09022015). Collection method: clinical testing. Allele origin: germline.
Comment: Algorithms developed to predict the effect of missense changes on protein structure and function output the following: SIFT: "Tolerated"; PolyPhen-2: "Benign"; Align-GVGD: "Class C0". The valine amino acid residue is found in multiple mammalian species, which suggests that this missense change does not adversely affect protein function. In summary, the available evidence is currently insufficient to determine the role of this variant in disease. Therefore, it has been classified as a Variant of Uncertain Significance. ClinVar contains an entry for this variant (Variation ID: 951557). This variant has not been reported in the literature in individuals affected with PLCG2-related conditions. This variant is present in population databases (rs747542285, gnomAD 0.004%). This sequence change replaces isoleucine, which is neutral and non-polar, with valine, which is neutral and non-polar, at codon 614 of the PLCG2 protein (p.Ile614Val).

NM_002661.5(PLCG2):c.1840A>G (p.Ile614Val)

Gene: PLCG2 (phospholipase C gamma 2; plus strand). Cytogenetic location: 16q23.3.
Variant type: single nucleotide variant.
Coding change: c.1840A>G on transcript NM_002661.5 (MANE Select); coding-DNA position 1840, A replaced by G.
Protein change: p.Ile614Val; replaces isoleucine 614 with valine.
Molecular consequence: missense variant.
Genome position (GRCh38, 1-based): chr16:81,910,626, A>G. VCF-style: chr16-81910626-A-G. GRCh37 (hg19) VCF-style: chr16-81944231-A-G.
Other names: short protein forms I614V.
Identifiers: ClinVar variation 951557 (VCV000951557.9), dbSNP rs747542285, ClinGen allele CA8193951.